The following is an entry in ClinVar:

ClinVar aggregate classification (germline): Likely benign. Review status: criteria provided, multiple submitters, no conflicts (2 of 4 stars). 4 submissions from 4 submitters: Likely benign (2). 2 of the submissions do not count toward it. Last evaluated 2025-10-13.

Conditions:
Carnitine palmitoyltransferase II deficiency. Also called: Carnitine Palmitoyltransferase 2 Deficiency. Identifiers: Orphanet 157, MedGen C0342790, MONDO:0015515.
CPT2-related disorder. Also called: CPT2-related condition.

Allele frequency attached by ClinVar (database versions not stated): gnomAD exomes below 0.00001; TOPMed below 0.00001.

Submissions (4):

Labcorp Genetics (formerly Invitae), Labcorp
Classification: Likely benign for Carnitine palmitoyltransferase II deficiency. Last evaluated: 2025-10-13. Review status: criteria provided, single submitter. Criteria: Invitae Variant Classification Sherloc (09022015). Collection method: clinical testing. Allele origin: germline.

Blueprint Genetics
Classification: Likely benign. Last evaluated: 2024-03-18. Review status: criteria provided, single submitter. Criteria: ACMG Guidelines, 2015. Collection method: clinical testing. Allele origin: germline.

PreventionGenetics, part of Exact Sciences
Classification: Likely benign for CPT2-related condition. Last evaluated: 2022-01-17. Review status: no assertion criteria provided. Collection method: clinical testing. Allele origin: germline. Not counted in ClinVar's aggregate classification.
Comment: This variant is classified as likely benign based on ACMG/AMP sequence variant interpretation guidelines (Richards et al. 2015 PMID: 25741868, with internal and published modifications).

Natera, Inc.
Classification: Uncertain significance for Carnitine palmitoyltransferase II deficiency. Last evaluated: 2020-08-07. Review status: no assertion criteria provided. Collection method: clinical testing. Allele origin: germline. Not counted in ClinVar's aggregate classification.

NM_000098.3(CPT2):c.1041C>T (p.Gly347=)

Gene: CPT2 (carnitine palmitoyltransferase 2; plus strand). Cytogenetic location: 1p32.3.
Variant type: single nucleotide variant.
Coding change: c.1041C>T on transcript NM_000098.3 (MANE Select); coding-DNA position 1041, C replaced by T.
Protein change: p.Gly347=; no amino-acid change (glycine 347 retained).
Molecular consequence: synonymous variant.
Genome position (GRCh38, 1-based): chr1:53,210,715, C>T. VCF-style: chr1-53210715-C-T. GRCh37 (hg19) VCF-style: chr1-53676387-C-T.
Other names: c.1041C>T, p.Gly347= (NM_001330589.2).
Identifiers: ClinVar variation 853650 (VCV000853650.12), dbSNP rs985374504, ClinGen allele CA22638941.